The following is an entry in ClinVar:

NM_001164277.2(SLC37A4):c.139G>A (p.Asp47Asn)

Gene: SLC37A4 (solute carrier family 37 member 4; minus strand). Cytogenetic location: 11q23.3.
Variant type: single nucleotide variant.
Coding change: c.139G>A on transcript NM_001164277.2 (MANE Select); coding-DNA position 139, G replaced by A.
Protein change: p.Asp47Asn; replaces aspartic acid 47 with asparagine.
Molecular consequence: missense variant. On other transcripts: intron variant (1).
Genome position (GRCh38, 1-based): chr11:119,029,231, C>T on the plus strand (G>A on the coding strand, the complement: SLC37A4 is on the minus strand). VCF-style: chr11-119029231-C-T. GRCh37 (hg19) VCF-style: chr11-118899941-C-T.
Other names: c.139G>A, p.Asp47Asn (NM_001164278.2, NM_001164280.2, NM_001467.6); c.-172+161G>A (NM_001164279.2); short protein forms D47N.
Identifiers: ClinVar variation 3612171 (VCV003612171.3).

ClinVar aggregate classification (germline): Uncertain significance. Review status: criteria provided, multiple submitters, no conflicts (2 of 4 stars). 2 submissions from 2 submitters: Uncertain significance (2). Last evaluated 2026-07-29.

Conditions:
Inborn genetic diseases. Identifiers: MedGen C0950123, MeSH D030342.
Glucose-6-phosphate transport defect (GSD1B). Also called: GSD Ib; Glycogen Storage Disease Type Ib. Identifiers: Orphanet 364, Orphanet 79259, MedGen C0268146, MONDO:0009288, OMIM 232220.

Submissions (2):

Ambry Genetics
Classification: Uncertain significance for Inborn genetic diseases. Last evaluated: 2026-07-29. Review status: criteria provided, single submitter. Criteria: Ambry Variant Classification Scheme 2023. Collection method: clinical testing. Allele origin: germline.

Labcorp Genetics (formerly Invitae), Labcorp
Classification: Uncertain significance for Glucose-6-phosphate transport defect. Last evaluated: 2024-09-01. Review status: criteria provided, single submitter. Criteria: Invitae Variant Classification Sherloc (09022015). Collection method: clinical testing. Allele origin: germline.
Comment: This sequence change replaces aspartic acid, which is acidic and polar, with asparagine, which is neutral and polar, at codon 47 of the SLC37A4 protein (p.Asp47Asn). This variant is not present in population databases (gnomAD no frequency). This variant has not been reported in the literature in individuals affected with SLC37A4-related conditions. Invitae Evidence Modeling of protein sequence and biophysical properties (such as structural, functional, and spatial information, amino acid conservation, physicochemical variation, residue mobility, and thermodynamic stability) indicates that this missense variant is not expected to disrupt SLC37A4 protein function with a negative predictive value of 80%. In summary, the available evidence is currently insufficient to determine the role of this variant in disease. Therefore, it has been classified as a Variant of Uncertain Significance.